The following is an entry in ClinVar:

ClinVar aggregate classification (germline): Uncertain significance (1 of 4 stars; one submission).

Submission:

Labcorp Genetics (formerly Invitae), Labcorp
Classification: Uncertain significance. Last evaluated: 2022-09-13. Review status: criteria provided, single submitter. Criteria: Invitae Variant Classification Sherloc (09022015). Collection method: clinical testing. Allele origin: germline.
Comment: This sequence change replaces lysine, which is basic and polar, with glutamic acid, which is acidic and polar, at codon 52 of the GNPTG protein (p.Lys52Glu). This variant is not present in population databases (gnomAD no frequency). This variant has not been reported in the literature in individuals affected with GNPTG-related conditions. ClinVar contains an entry for this variant (Variation ID: 841603). Advanced modeling of protein sequence and biophysical properties (such as structural, functional, and spatial information, amino acid conservation, physicochemical variation, residue mobility, and thermodynamic stability) performed at Invitae indicates that this missense variant is not expected to disrupt GNPTG protein function. In summary, the available evidence is currently insufficient to determine the role of this variant in disease. Therefore, it has been classified as a Variant of Uncertain Significance.

NM_032520.5(GNPTG):c.154A>G (p.Lys52Glu)

Gene: GNPTG (N-acetylglucosamine-1-phosphate transferase subunit gamma; plus strand). Cytogenetic location: 16p13.3.
Variant type: single nucleotide variant.
Coding change: c.154A>G on transcript NM_032520.5 (MANE Select); coding-DNA position 154, A replaced by G.
Protein change: p.Lys52Glu; replaces lysine 52 with glutamic acid.
Molecular consequence: missense variant.
Genome position (GRCh38, 1-based): chr16:1,352,282, A>G. VCF-style: chr16-1352282-A-G. GRCh37 (hg19) VCF-style: chr16-1402283-A-G.
Other names: short protein forms K52E.
Identifiers: ClinVar variation 841603 (VCV000841603.7), dbSNP rs2034699268, ClinGen allele CA394184524.